The following is an entry in ClinVar:

NM_003476.5(CSRP3):c.508G>T (p.Val170Phe)

Gene: CSRP3 (cysteine and glycine rich protein 3; minus strand). Cytogenetic location: 11p15.1.
Variant type: single nucleotide variant.
Coding change: c.508G>T on transcript NM_003476.5 (MANE Select); coding-DNA position 508, G replaced by T.
Protein change: p.Val170Phe; replaces valine 170 with phenylalanine.
Molecular consequence: missense variant.
Genome position (GRCh38, 1-based): chr11:19,184,952, C>A on the plus strand (G>T on the coding strand, the complement: CSRP3 is on the minus strand). VCF-style: chr11-19184952-C-A. GRCh37 (hg19) VCF-style: chr11-19206499-C-A.
Other names: p.V170F:GTT>TTT; c.508G>T (LRG_440t1); c.339G>T, p.Lys113Asn (NM_001369404.1); short protein forms V170F, K113N.
Identifiers: ClinVar variation 201696 (VCV000201696.1), dbSNP rs757433657, ClinGen allele CA335112.

ClinVar aggregate classification (germline): Uncertain significance (1 of 4 stars; one submission).

Submission:

GeneDx
Classification: Uncertain significance. Last evaluated: 2014-10-20. Review status: criteria provided, single submitter. Criteria: GeneDx Variant Classification (06012015). Collection method: clinical testing. Allele origin: germline. Affected: yes.
Comment: p.Val170Phe (GTT>TTT): c.508 G>T in exon 5 of the CSRP3 gene (NM_003476.3). The V170F variant has not been published as a mutation, nor has it been reported as a benign polymorphism to our knowledge. The V170F variant was not observed in approximately 6,500 individuals of European and African American ancestry in the NHLBI Exome Sequencing Project, indicating it is not a common benign variant in these populations. The V170F variant is a semi-conservative amino acid substitution, which may impact secondary protein structure as these residues differ in some properties. This substitution occurs at a position that is fully conserved among mammals and class conserved across species. In silico analysis predicts this variant is probably damaging to the protein structure/function. However, missense mutations in nearby residues have not been reported, indicating this region of the protein may be tolerant of change. Therefore, based on the currently available information, it is unclear whether this variant is a pathogenic mutation or a rare benign variant. The variant is found in CARDIOMYOPATHY panel(s).